The following is an entry in ClinVar:

ClinVar aggregate classification (germline): Uncertain significance (1 of 4 stars; one submission).

Conditions:
Norman-Roberts syndrome (LIS2). Also called: Lissencephaly 2 (Norman-Roberts type). Identifiers: Orphanet 89844, MedGen C0796089, MONDO:0009760, OMIM 257320.
Familial temporal lobe epilepsy 7. Identifiers: Orphanet 101046, MedGen C4225327, MONDO:0014639, OMIM 616436.

Submission:

Labcorp Genetics (formerly Invitae), Labcorp
Classification: Uncertain significance for Familial temporal lobe epilepsy 7; Norman-Roberts syndrome. Last evaluated: 2024-03-04. Review status: criteria provided, single submitter. Criteria: Invitae Variant Classification Sherloc (09022015). Collection method: clinical testing. Allele origin: germline.
Comment: This sequence change replaces serine, which is neutral and polar, with proline, which is neutral and non-polar, at codon 1106 of the RELN protein (p.Ser1106Pro). This variant is not present in population databases (gnomAD no frequency). This variant has not been reported in the literature in individuals affected with RELN-related conditions. Advanced modeling of protein sequence and biophysical properties (such as structural, functional, and spatial information, amino acid conservation, physicochemical variation, residue mobility, and thermodynamic stability) has been performed at Invitae for this missense variant, however the output from this modeling did not meet the statistical confidence thresholds required to predict the impact of this variant on RELN protein function. In summary, the available evidence is currently insufficient to determine the role of this variant in disease. Therefore, it has been classified as a Variant of Uncertain Significance.

NM_005045.4(RELN):c.3316T>C (p.Ser1106Pro)

Gene: RELN (reelin; minus strand). Cytogenetic location: 7q22.1.
Variant type: single nucleotide variant.
Coding change: c.3316T>C on transcript NM_005045.4 (MANE Select); coding-DNA position 3316, T replaced by C.
Protein change: p.Ser1106Pro; replaces serine 1106 with proline.
Molecular consequence: missense variant.
Genome position (GRCh38, 1-based): chr7:103,603,321, A>G on the plus strand (T>C on the coding strand, the complement: RELN is on the minus strand). VCF-style: chr7-103603321-A-G. GRCh37 (hg19) VCF-style: chr7-103243768-A-G.
Other names: c.3316T>C, p.Ser1106Pro (NM_173054.3); short protein forms S1106P.
Identifiers: ClinVar variation 2922052 (VCV002922052.3), dbSNP rs1831722930, ClinGen allele CA368762810.